The following is an entry in ClinVar:

NM_001195263.2(PDZD7):c.1013G>T (p.Ser338Ile)

Gene: PDZD7 (PDZ domain containing 7; minus strand). Cytogenetic location: 10q24.31.
Variant type: single nucleotide variant.
Coding change: c.1013G>T on transcript NM_001195263.2 (MANE Select); coding-DNA position 1013, G replaced by T.
Protein change: p.Ser338Ile; replaces serine 338 with isoleucine.
Molecular consequence: missense variant.
Genome position (GRCh38, 1-based): chr10:101,019,133, C>A on the plus strand (G>T on the coding strand, the complement: PDZD7 is on the minus strand). VCF-style: chr10-101019133-C-A. GRCh37 (hg19) VCF-style: chr10-102778890-C-A.
Other names: c.1013G>T, p.Ser338Ile (NM_001351044.2, NM_024895.5); short protein forms S338I.
Identifiers: ClinVar variation 930811 (VCV000930811.3), dbSNP rs1425787315, ClinGen allele CA378228916.

ClinVar aggregate classification (germline): Uncertain significance (1 of 4 stars; one submission).

Conditions:
Hearing loss, autosomal recessive 57. Also called: DEAFNESS, AUTOSOMAL RECESSIVE 57. Identifiers: MedGen C4693893, MONDO:0033201, OMIM 618003.

Allele frequency attached by ClinVar (database versions not stated): gnomAD 0.00001; TOPMed 0.00001.

Submission:

Centre for Mendelian Genomics, University Medical Centre Ljubljana
Classification: Uncertain significance for Hearing loss, autosomal recessive 57. Last evaluated: 2019-03-30. Review status: criteria provided, single submitter. Criteria: ACMG Guidelines, 2015. Collection method: clinical testing. Allele origin: unknown. Affected: yes.
Comment: This variant was classified as: Uncertain significance. The available evidence on this variant's pathogenicity is insufficient or conflicting. The following ACMG criteria were applied in classifying this variant: PM2.